The following is an entry in ClinVar:

NM_000037.4(ANK1):c.4105-1G>A

Gene: ANK1 (ankyrin 1; minus strand). Cytogenetic location: 8p11.21.
Variant type: single nucleotide variant.
Coding change: c.4105-1G>A on transcript NM_000037.4 (MANE Select); the canonical splice acceptor site of the intron before coding-DNA position 4105, G replaced by A.
Molecular consequence: splice acceptor variant.
Genome position (GRCh38, 1-based): chr8:41,688,590, C>T on the plus strand (G>A on the coding strand, the complement: ANK1 is on the minus strand). VCF-style: chr8-41688590-C-T. GRCh37 (hg19) VCF-style: chr8-41546108-C-T.
Other names: c.4228-1G>A (NM_001142446.2); c.4105-1G>A (NM_020477.3, NM_020475.3, NM_020476.3).
Identifiers: ClinVar variation 2136662 (VCV002136662.4), dbSNP rs2486740227, ClinGen allele CA371057940.
Genomic context (GRCh38, chr8:41,688,590, plus strand): 5'-AATGCTGTATCGCAGGGCCAGGGGCGTCGGGGTCCTTCTCCTATCTTCGGCTCCACTTCC[C>T]TGCAGAAGAAGAAAGGGTGCTTTGGGTTTTGGACTCTCCCCACCTTCCCAGAGAAAGTGA-3'

ClinVar aggregate classification (germline): Likely pathogenic (1 of 4 stars; one submission).

Submission:

Labcorp Genetics (formerly Invitae), Labcorp
Classification: Likely pathogenic. Last evaluated: 2022-02-28. Review status: criteria provided, single submitter. Criteria: Invitae Variant Classification Sherloc (09022015). Collection method: clinical testing. Allele origin: germline.
Comment: In summary, the currently available evidence indicates that the variant is pathogenic, but additional data are needed to prove that conclusively. Therefore, this variant has been classified as Likely Pathogenic. Algorithms developed to predict the effect of sequence changes on RNA splicing suggest that this variant may disrupt the consensus splice site. Disruption of this splice site has been observed in individual(s) with hereditary spherocytosis (PMID: 27247322, 31723846). This variant is not present in population databases (gnomAD no frequency). This sequence change affects an acceptor splice site in intron 33 of the ANK1 gene. It is expected to disrupt RNA splicing. Variants that disrupt the donor or acceptor splice site typically lead to a loss of protein function (PMID: 16199547), and loss-of-function variants in ANK1 are known to be pathogenic (PMID: 8640229).

Literature cited by the submitters: PubMed 27247322; PubMed 31723846; PubMed 16199547; PubMed 8640229.